The following is an entry in ClinVar:

ClinVar aggregate classification (germline): Uncertain significance (1 of 4 stars; one submission).

Submission:

GeneDx
Classification: Uncertain significance. Last evaluated: 2024-04-26. Review status: criteria provided, single submitter. Criteria: GeneDx Variant Classification Process June 2021. Collection method: clinical testing. Allele origin: germline. Affected: yes.
Comment: In silico analysis indicates that this missense variant does not alter protein structure/function; Has not been previously published as pathogenic or benign to our knowledge

NM_016239.4(MYO15A):c.3601C>T (p.Arg1201Trp)

Gene: MYO15A (myosin XVA; plus strand). Cytogenetic location: 17p11.2.
Variant type: single nucleotide variant.
Coding change: c.3601C>T on transcript NM_016239.4 (MANE Select); coding-DNA position 3601, C replaced by T.
Protein change: p.Arg1201Trp; replaces arginine 1201 with tryptophan.
Molecular consequence: missense variant.
Genome position (GRCh38, 1-based): chr17:18,122,401, C>T. VCF-style: chr17-18122401-C-T. GRCh37 (hg19) VCF-style: chr17-18025715-C-T.
Other names: short protein forms R1201W.
Identifiers: ClinVar variation 3373006 (VCV003373006.1).